The following is an entry in ClinVar:

NM_003239.5(TGFB3):c.754G>A (p.Gly252Ser)

Gene: TGFB3 (transforming growth factor beta 3; minus strand). Cytogenetic location: 14q24.3.
Variant type: single nucleotide variant.
Coding change: c.754G>A on transcript NM_003239.5 (MANE Select); coding-DNA position 754, G replaced by A.
Protein change: p.Gly252Ser; replaces glycine 252 with serine.
Molecular consequence: missense variant.
Genome position (GRCh38, 1-based): chr14:75,965,588, C>T on the plus strand (G>A on the coding strand, the complement: TGFB3 is on the minus strand). VCF-style: chr14-75965588-C-T. GRCh37 (hg19) VCF-style: chr14-76431931-C-T.
Other names: c.754G>A, p.Gly252Ser (NM_001329938.2, NM_001329939.2); short protein forms G252S.
Identifiers: ClinVar variation 393137 (VCV000393137.3), dbSNP rs1057524806, ClinGen allele CA16607021.

ClinVar aggregate classification (germline): Uncertain significance (1 of 4 stars; one submission).

Submission:

GeneDx
Classification: Uncertain significance. Last evaluated: 2024-12-26. Review status: criteria provided, single submitter. Criteria: GeneDx Variant Classification Process June 2021. Collection method: clinical testing. Allele origin: germline. Affected: yes.
Comment: Not observed at significant frequency in large population cohorts (gnomAD); Alters the last nucleotide of the exon and is predicted to damage/destroy the splice donor site but the effect on protein function is unclear; In silico analysis supports that this missense variant has a deleterious effect on protein structure/function; Has not been previously published as pathogenic or benign to our knowledge